The following is an entry in ClinVar:

NM_000045.4(ARG1):c.131-11T>C

Genes: ARG1 (arginase 1; plus strand), MED23 (mediator complex subunit 23; minus strand). Cytogenetic location: 6q23.2.
Variant type: single nucleotide variant.
Coding change: c.131-11T>C on transcript NM_000045.4 (MANE Select); 11 bases into the intron before coding-DNA position 131, T replaced by C.
Molecular consequence: intron variant. On other transcripts: synonymous variant (1).
Genome position (GRCh38, 1-based): chr6:131,579,100, T>C. VCF-style: chr6-131579100-T-C. GRCh37 (hg19) VCF-style: chr6-131900240-T-C.
Other names: c.144T>C, p.Phe48= (NM_001244438.2); c.131-11T>C (NM_001369020.1); c.4078-4805A>G (NM_001270521.2); c.4096-4805A>G (NM_015979.4).
Identifiers: ClinVar variation 384199 (VCV000384199.3), dbSNP rs1057521893, ClinGen allele CA16604855.

ClinVar aggregate classification (germline): Likely benign (1 of 4 stars; one submission).

gnomAD v4.1: 1 of 1,613,928 alleles (0.000062%); no homozygotes.

Submission:

GeneDx
Classification: Likely benign. Last evaluated: 2016-03-18. Review status: criteria provided, single submitter. Criteria: GeneDx Variant Classification (06012015). Collection method: clinical testing. Allele origin: germline. Affected: yes.
Comment: This variant is considered likely benign or benign based on one or more of the following criteria: it is a conservative change, it occurs at a poorly conserved position in the protein, it is predicted to be benign by multiple in silico algorithms, and/or has population frequency not consistent with disease.